The following is an entry in ClinVar:

ClinVar aggregate classification (germline): Likely benign. Review status: criteria provided, multiple submitters, no conflicts (2 of 4 stars). 3 submissions from 3 submitters: Likely benign (2). 1 of the submissions does not count toward it. Last evaluated 2024-04-18.

Conditions:
RYR1-related disorder. Also called: RYR1-related condition; RYR1-related disorders. Identifiers: MedGen CN239331.

Allele frequency attached by ClinVar (database versions not stated): gnomAD exomes below 0.00001.
gnomAD v4.1: 4 of 1,614,020 alleles (0.00025%); highest among the groups gnomAD compares: Non-Finnish European, 0.00034%; no homozygotes.

Submissions (3):

Women's Health and Genetics/Laboratory Corporation of America, LabCorp
Classification: Likely benign. Last evaluated: 2024-04-18. Review status: criteria provided, single submitter. Criteria: LabCorp Variant Classification Summary - May 2015. Collection method: clinical testing. Allele origin: germline.
Comment: Variant summary: RYR1 c.8068-4C>A alters a conserved nucleotide located close to a canonical splice site and therefore could affect mRNA splicing, leading to a significantly altered protein sequence. Consensus agreement among computation tools predict no significant impact on normal splicing. However, these predictions have yet to be confirmed by functional studies. The variant was absent in 251446 control chromosomes (gnomAD v2.1). The available data on variant occurrences in the general population are insufficient to allow any conclusion about variant significance. To our knowledge, no occurrence of c.8068-4C>A in individuals affected with Myopathy, RYR1-Associated and no experimental evidence demonstrating its impact on protein function have been reported. ClinVar contains an entry for this variant (Variation ID: 2192547). Based on the evidence outlined above, the variant was classified as likely benign.

Labcorp Genetics (formerly Invitae), Labcorp
Classification: Likely benign for RYR1-related disorder. Last evaluated: 2022-06-23. Review status: criteria provided, single submitter. Criteria: Invitae Variant Classification Sherloc (09022015). Collection method: clinical testing. Allele origin: germline.

PreventionGenetics, part of Exact Sciences
Classification: Likely benign for RYR1-related condition. Last evaluated: 2023-07-14. Review status: no assertion criteria provided. Collection method: clinical testing. Allele origin: germline. Not counted in ClinVar's aggregate classification.
Comment: This variant is classified as likely benign based on ACMG/AMP sequence variant interpretation guidelines (Richards et al. 2015 PMID: 25741868, with internal and published modifications).

NM_000540.3(RYR1):c.8068-4C>A

Gene: RYR1 (ryanodine receptor 1; plus strand). Cytogenetic location: 19q13.2.
Variant type: single nucleotide variant.
Coding change: c.8068-4C>A on transcript NM_000540.3 (MANE Select); 4 bases into the intron before coding-DNA position 8068, C replaced by A.
Molecular consequence: intron variant.
Genome position (GRCh38, 1-based): chr19:38,504,744, C>A. VCF-style: chr19-38504744-C-A. GRCh37 (hg19) VCF-style: chr19-38995384-C-A.
Other names: c.8068-4C>A (NM_000540.2, NM_001042723.2).
Identifiers: ClinVar variation 2192547 (VCV002192547.7), dbSNP rs2514354103, ClinGen allele CA2580097223.
Genomic context (GRCh38, chr19:38,504,744, plus strand): 5'-GAGGTCCTGGGGGTCAGTAAGGCTTATAGCGACCTCCTACCCCTGCTTCACCCGGTTTTC[C>A]CAGAAATACGACCCGGAGCTGTACCGCATGGCCATGCCTTGTCTGTGCGCCATTGCCGGG-3'